The following is an entry in ClinVar:

ClinVar aggregate classification (germline): Likely benign. Review status: criteria provided, multiple submitters, no conflicts (2 of 4 stars). 2 submissions from 2 submitters: Likely benign (2). Last evaluated 2022-09-13.

Allele frequency attached by ClinVar (database versions not stated): ExAC below 0.00001; gnomAD 0.00001; gnomAD exomes 0.00001; TOPMed 0.00001.
gnomAD v4.1: 17 of 1,564,708 alleles (0.0011%); highest among the groups gnomAD compares: South Asian, 0.0023%; no homozygotes.

Submissions (2):

Blueprint Genetics
Classification: Likely benign. Last evaluated: 2022-09-13. Review status: criteria provided, single submitter. Criteria: ACMG Guidelines, 2015. Collection method: clinical testing. Allele origin: germline.

GeneDx
Classification: Likely benign. Last evaluated: 2017-10-26. Review status: criteria provided, single submitter. Criteria: GeneDx Variant Classification (06012015). Collection method: clinical testing. Allele origin: germline. Affected: yes.
Comment: This variant is considered likely benign or benign based on one or more of the following criteria: it is a conservative change, it occurs at a poorly conserved position in the protein, it is predicted to be benign by multiple in silico algorithms, and/or has population frequency not consistent with disease.

NM_005902.4(SMAD3):c.-18C>T

Genes: SMAD3 (SMAD family member 3; plus strand), LOC130057352 (ATAC-STARR-seq lymphoblastoid silent region 6574; plus strand). Cytogenetic location: 15q22.33.
Variant type: single nucleotide variant.
Coding change: c.-18C>T on transcript NM_005902.4 (MANE Select); 18 bases upstream of the start codon, C replaced by T.
Molecular consequence: 5 prime UTR variant.
Genome position (GRCh38, 1-based): chr15:67,066,137, C>T. VCF-style: chr15-67066137-C-T. GRCh37 (hg19) VCF-style: chr15-67358475-C-T.
Identifiers: ClinVar variation 506315 (VCV000506315.2), dbSNP rs754796428, ClinGen allele CA061786.